The following is an entry in ClinVar:

ClinVar aggregate classification (germline): Pathogenic (1 of 4 stars; one submission).

Conditions:
Hereditary cancer-predisposing syndrome. Also called: Neoplastic Syndromes, Hereditary; Tumor predisposition; Hereditary neoplastic syndrome; Hereditary Cancer Syndrome. Identifiers: Orphanet 140162, MedGen C0027672, MeSH D009386, MONDO:0015356.
Cardiovascular phenotype. Identifiers: MedGen CN230736.

Submission:

Ambry Genetics
Classification: Pathogenic for Cardiovascular phenotype; Hereditary cancer-predisposing syndrome. Last evaluated: 2023-09-20. Review status: criteria provided, single submitter. Criteria: Ambry Variant Classification Scheme 2023. Collection method: clinical testing. Allele origin: germline.
Comment: The p.E517* pathogenic mutation (also known as c.1549G>T), located in coding exon 14 of the LZTR1 gene, results from a G to T substitution at nucleotide position 1549. This changes the amino acid from a glutamic acid to a stop codon within coding exon 14. Loss-of-function variants in LZTR1 are related to an increased risk for schwannomas and autosomal recessive Noonan syndrome; however, such associations with autosomal dominant Noonan syndrome have not been observed (Piotrowski A et al. Nat Genet. 2014 Feb;46:182-7; Yamamoto GL et al. J Med Genet. 2015 Jun;52:413-21; Johnston JJ et al. Genet Med. 2018 10;20:1175-1185). This alteration is expected to result in loss of function by premature protein truncation or nonsense-mediated mRNA decay. Based on the supporting evidence, this variant is pathogenic for an increased risk of LZTR1-related schwannomatosis (SWN) and would be expected to cause autosomal recessive Noonan syndrome when present along with a second pathogenic or likely pathogenic variant on the other allele; however, the association of this alteration with autosomal dominant Noonan syndrome is unlikely.

NM_006767.4(LZTR1):c.1549G>T (p.Glu517Ter)

Gene: LZTR1 (leucine zipper like post translational regulator 1; plus strand). Cytogenetic location: 22q11.21.
Variant type: single nucleotide variant.
Coding change: c.1549G>T on transcript NM_006767.4 (MANE Select); coding-DNA position 1549, G replaced by T.
Protein change: p.Glu517Ter; replaces glutamic acid 517 with a stop codon.
Molecular consequence: nonsense.
Genome position (GRCh38, 1-based): chr22:20,994,203, G>T. VCF-style: chr22-20994203-G-T. GRCh37 (hg19) VCF-style: chr22-21348492-G-T.
Other names: short protein forms E517*.
Identifiers: ClinVar variation 3238094 (VCV003238094.1), dbSNP rs748528782.
Genomic context (GRCh38, chr22:20,994,203, plus strand): 5'-CCCGGCGTGGCTGCTGGTGGGGCCCGGCCGCCCCTGCTGCACGTGGCCATCCGGGAGGCC[G>T]AGGCCCGGCCCTTCGAGGTGCTCATGCAGTTCCTCTACACCGACAAGATCAAATACCCAC-3'